The following is an entry in ClinVar:

NM_000104.4(CYP1B1):c.975_978del (p.Asp326fs)

Gene: CYP1B1 (cytochrome P450 family 1 subfamily B member 1; minus strand). Cytogenetic location: 2p22.2.
Variant type: Deletion.
Coding change: c.975_978del on transcript NM_000104.4 (MANE Select); coding-DNA positions 975 to 978, 4 bases deleted (TGAC; older notation c.975_978delTGAC).
Protein change: p.Asp326fs; shifts the reading frame from aspartic acid 326.
Molecular consequence: frameshift variant.
Genome position (GRCh38, 1-based): chr2:38,074,411-38,074,414, GTCA deleted on the plus strand (TGAC on the coding strand, the reverse complement: CYP1B1 is on the minus strand); deleting any 4 consecutive bases within chr2:38,074,411-38,074,416 gives the same sequence; the c. name uses the placement nearest the transcript's 3' end. VCF-style (leftmost placement, unchanged base first): chr2-38074410-TGTCA-T. GRCh37 (hg19) VCF-style: chr2-38301553-TGTCA-T.
Other names: NM_000104.4:c.975_978del; short protein forms D326fs.
Identifiers: ClinVar variation 800862 (VCV000800862.2), dbSNP rs1573274915, ClinGen allele CA915943781.

ClinVar aggregate classification (germline): Likely pathogenic. Review status: reviewed by expert panel (3 of 4 stars). 2 submissions from 2 submitters: Likely pathogenic (1). 1 of the submissions does not count toward it. Last evaluated 2026-10-27.

Conditions:
CYP1B1-related glaucoma with or without anterior segment dysgenesis. Identifiers: MedGen CN375931, MONDO:0800472.
Glaucoma 3A. Also called: Glaucoma 3, primary congenital, A. Identifiers: Orphanet 98976, Orphanet 98977, MedGen C1856439, MONDO:0009277, OMIM 231300.

Submissions (2):

ClinGen Glaucoma Variant Curation Expert Panel
Classification: Likely pathogenic for CYP1B1-related glaucoma with or without anterior segment dysgenesis. Last evaluated: 2026-10-27. Review status: reviewed by expert panel. Criteria: ClinGen Glaucoma ACMG Specifications CYP1B1 V2.0. Collection method: curation. Allele origin: germline. Inheritance: Autosomal recessive inheritance.
Comment: The c.975_978del variant in CYP1B1 is a deletion of four consecutive nucleotides, predicted to encode a frameshift with consequent premature termination of the protein at codon 101 of the frameshift (p.Asp326SerfsTer101). This variant was not found in any genetic ancestry group of gnomAD (v4.1), meeting the ≤ 0.0005 threshold set for PM2_Supporting in a genetic ancestry group of at least 2,000 alleles. This frameshift variant was not predicted to undergo NMD but removes the haem-binding domain (PVS1 met). There was no functional evidence predicting a damaging or benign impact of this variant on CYP1B1 function. This variant has been identified in an individual in laboratory testing (ClinVar database), however no phenotypic or genotypic information was able to be obtained for PM3 to be assessed. In summary, this variant met the criteria to receive a score of 9 and to be classified as likely pathogenic (likely pathogenic classification range 6 to 9, adapted from PMID: 32720330) for CYP1B1-related glaucoma with or without anterior segment dysgenesis (ASD) based on the ACMG/AMP criteria met, as specified by the ClinGen Glaucoma VCEP (v2.0, 16.07.2026): PVS1, PM2_Supporting

Biochemical Molecular Genetic Laboratory, King Abdulaziz Medical City
Classification: Likely pathogenic for Glaucoma 3A. Last evaluated: 2019-08-25. Review status: no assertion criteria provided. Collection method: clinical testing. Allele origin: germline. Affected: yes. Not counted in ClinVar's aggregate classification.